The following is an entry in ClinVar:

NM_000091.5(COL4A3):c.*2182C>T

Genes: COL4A3 (collagen type IV alpha 3 chain; plus strand), MFF-DT (MFF divergent transcript; minus strand). Cytogenetic location: 2q36.3.
Variant type: single nucleotide variant.
Coding change: c.*2182C>T on transcript NM_000091.5 (MANE Select); 2182 bases downstream of the stop codon, C replaced by T.
Molecular consequence: 3 prime UTR variant.
Genome position (GRCh38, 1-based): chr2:227,314,052, C>T. VCF-style: chr2-227314052-C-T. GRCh37 (hg19) VCF-style: chr2-228178768-C-T.
Identifiers: ClinVar variation 334820 (VCV000334820.5), dbSNP rs114535536, ClinGen allele CA10613029.

ClinVar aggregate classification (germline): Likely benign (1 of 4 stars; one submission).

Conditions:
Alport syndrome. Also called: Hemorrhagic familial nephritis; Hemorrhagic hereditary nephritis; Congenital hereditary hematuria. Identifiers: Orphanet 63, MedGen C1567741, MONDO:0018965.

Allele frequency attached by ClinVar (database versions not stated): gnomAD 0.00575 and 0.00613; 1000 Genomes Project 0.00579; TOPMed 0.00599; 1000 Genomes Project 30x 0.00656.

Submission:

Illumina Laboratory Services, Illumina
Classification: Likely benign for Alport syndrome. Last evaluated: 2018-01-12. Review status: criteria provided, single submitter. Criteria: ICSL Variant Classification Criteria 13 December 2019. Collection method: clinical testing. Allele origin: germline.
Comment: This variant was observed in the ICSL laboratory as part of a predisposition screen in an ostensibly healthy population. It had not been previously curated by ICSL or reported in the Human Gene Mutation Database (HGMD: prior to June 1st, 2018), and was therefore a candidate for classification through an automated scoring system. Utilizing variant allele frequency, disease prevalence and penetrance estimates, and inheritance mode, an automated score was calculated to assess if this variant is too frequent to cause the disease. Based on the score and internal cut-off values, a variant classified as likely benign is not then subjected to further curation. The score for this variant resulted in a classification of likely benign for this disease.